The following is an entry in ClinVar:

NM_001142864.4(PIEZO1):c.2730C>T (p.Pro910=)

Genes: HSALR1 (HSP90AB1 associated lncRNA 1; plus strand), PIEZO1 (piezo type mechanosensitive ion channel component 1 (Er blood group); minus strand). Cytogenetic location: 16q24.3.
Variant type: single nucleotide variant.
Coding change: c.2730C>T on transcript NM_001142864.4 (MANE Select); coding-DNA position 2730, C replaced by T.
Protein change: p.Pro910=; no amino-acid change (proline 910 retained).
Molecular consequence: synonymous variant.
Genome position (GRCh38, 1-based): chr16:88,732,667, G>A on the plus strand (C>T on the coding strand, the complement: PIEZO1 is on the minus strand). VCF-style: chr16-88732667-G-A. GRCh37 (hg19) VCF-style: chr16-88799075-G-A.
Other names: p.Pro910=.
Identifiers: ClinVar variation 750942 (VCV000750942.9), dbSNP rs573568066, ClinGen allele CA286420772.
Genomic context (GRCh38, chr16:88,732,667, plus strand): 5'-CTGGATGTAGCCCAGGTTGGGGAACCCTTTCCGCACCCCAAACCAGTTGGCAGGGTCCAC[G>A]GGCCCCCGGTACAGCAGGGACTGGCTGATCTCCGTGGGCAGCAAGTTGGTGCTGTTGGGG-3'
Protein context (NP_001136336.2, residues 900-920): EISQSLLYRG[Pro910=]VDPANWFGVR

ClinVar aggregate classification (germline): Likely benign. Review status: criteria provided, multiple submitters, no conflicts (2 of 4 stars). 3 submissions from 3 submitters: Likely benign (2). 1 of the submissions does not count toward it. Last evaluated 2025-08-04.

Conditions:
PIEZO1-related disorder. Also called: PIEZO1-Related Disorders; PIEZO1-related condition.

Allele frequency attached by ClinVar (database versions not stated): gnomAD 0.00008 and 0.00011; gnomAD exomes 0.00008 and 0.00009; TOPMed 0.00011; 1000 Genomes Project 0.00040; 1000 Genomes Project 30x 0.00125.
gnomAD v4.1: 145 of 1,549,680 alleles (0.0094%); highest among the groups gnomAD compares: Admixed American, 0.031%; 1 homozygote.

Submissions (3):

Labcorp Genetics (formerly Invitae), Labcorp
Classification: Likely benign. Last evaluated: 2025-08-04. Review status: criteria provided, single submitter. Criteria: Invitae Variant Classification Sherloc (09022015). Collection method: clinical testing. Allele origin: germline.

Mayo Clinic Laboratories, Mayo Clinic
Classification: Likely benign. Last evaluated: 2025-07-23. Review status: criteria provided, single submitter. Criteria: ACMG Guidelines, 2015. Collection method: clinical testing. Allele origin: germline. Observed: 3 variant alleles.

PreventionGenetics, part of Exact Sciences
Classification: Likely benign for PIEZO1-related condition. Last evaluated: 2022-12-15. Review status: no assertion criteria provided. Collection method: clinical testing. Allele origin: germline. Not counted in ClinVar's aggregate classification.
Comment: This variant is classified as likely benign based on ACMG/AMP sequence variant interpretation guidelines (Richards et al. 2015 PMID: 25741868, with internal and published modifications).